The following is an entry in ClinVar:

ClinVar aggregate classification (germline): Uncertain significance (1 of 4 stars; one submission).

Conditions:
Duchenne muscular dystrophy (DMD). Also called: MUSCULAR DYSTROPHY, PSEUDOHYPERTROPHIC PROGRESSIVE, DUCHENNE TYPE; Duchenne Muscular Dystrophy (DMD). Identifiers: Orphanet 98896, MedGen C0013264, MONDO:0010679, OMIM 310200.

Allele frequency attached by ClinVar (database versions not stated): gnomAD exomes below 0.00001 and 0.00001.
gnomAD v4.1: 2 of 1,211,176 alleles (0.00017%); highest among the groups gnomAD compares: East Asian, 0.003%; no homozygotes.

Submission:

Labcorp Genetics (formerly Invitae), Labcorp
Classification: Uncertain significance for Duchenne muscular dystrophy. Last evaluated: 2025-02-25. Review status: criteria provided, single submitter. Criteria: Invitae Variant Classification Sherloc (09022015). Collection method: clinical testing. Allele origin: germline.
Comment: This sequence change replaces threonine, which is neutral and polar, with isoleucine, which is neutral and non-polar, at codon 1331 of the DMD protein (p.Thr1331Ile). This variant is present in population databases (no rsID available, gnomAD 0.001%). This variant has not been reported in the literature in individuals affected with DMD-related conditions. ClinVar contains an entry for this variant (Variation ID: 1416850). Invitae Evidence Modeling of protein sequence and biophysical properties (such as structural, functional, and spatial information, amino acid conservation, physicochemical variation, residue mobility, and thermodynamic stability) indicates that this missense variant is not expected to disrupt DMD protein function with a negative predictive value of 95%. In summary, the available evidence is currently insufficient to determine the role of this variant in disease. Therefore, it has been classified as a Variant of Uncertain Significance.

NM_004006.3(DMD):c.3992C>T (p.Thr1331Ile)

Gene: DMD (dystrophin; minus strand). Cytogenetic location: Xp21.1.
Variant type: single nucleotide variant.
Coding change: c.3992C>T on transcript NM_004006.3 (MANE Select); coding-DNA position 3992, C replaced by T.
Protein change: p.Thr1331Ile; replaces threonine 1331 with isoleucine.
Molecular consequence: missense variant.
Genome position (GRCh38, 1-based): chrX:32,438,320, G>A on the plus strand (C>T on the coding strand, the complement: DMD is on the minus strand). VCF-style: chrX-32438320-G-A. GRCh37 (hg19) VCF-style: chrX-32456437-G-A.
Other names: c.3968C>T, p.Thr1323Ile (NM_000109.4); c.3980C>T, p.Thr1327Ile (NM_004009.3); c.3623C>T, p.Thr1208Ile (NM_004010.3); short protein forms T1323I, T1208I, T1327I, T1331I.
Identifiers: ClinVar variation 1416850 (VCV001416850.6), dbSNP rs1485535759, ClinGen allele CA412669371.
Genomic context (GRCh38, chrX:32,438,320, plus strand): 5'-CAACGAGAATTAAATGTCTCAAGTTCCTCATTGATTAGCTCATCCATGACTCCGCCATCT[G>A]TTAGGGTCTGTGCCAATATGCGAATCTGATTTGGGTTATCCTCTGAATGTCGCATCAAAT-3'
Protein context (NP_003997.2, residues 1321-1341): NQIRILAQTL[Thr1331Ile]DGGVMDELIN